The following is an entry in ClinVar:

NM_000123.4(ERCC5):c.1000G>T (p.Glu334Ter)

Genes: BIVM-ERCC5 (BIVM-ERCC5 readthrough; plus strand), ERCC5 (ERCC excision repair 5, endonuclease; plus strand). Cytogenetic location: 13q33.1.
Variant type: single nucleotide variant.
Coding change: c.1000G>T on transcript NM_000123.4 (MANE Select); coding-DNA position 1000, G replaced by T.
Protein change: p.Glu334Ter; replaces glutamic acid 334 with a stop codon.
Molecular consequence: nonsense.
Genome position (GRCh38, 1-based): chr13:102,862,149, G>T. VCF-style: chr13-102862149-G-T. GRCh37 (hg19) VCF-style: chr13-103514499-G-T.
Other names: c.2362G>T, p.Glu788Ter (NM_001204425.2); short protein forms E334*, E788*.
Identifiers: ClinVar variation 4849966 (VCV004849966.1).

ClinVar aggregate classification (germline): Likely pathogenic (1 of 4 stars; one submission).

Conditions:
Xeroderma pigmentosum, group G (XPG). Also called: XERODERMA PIGMENTOSUM VII; XP, GROUP G; Xeroderma pigmentosum type 7; ERCC5-Related Xeroderma Pigmentosum. Identifiers: MedGen C0268141, MONDO:0010216, OMIM 278780.

Submission:

Variantyx, Inc.
Classification: Likely pathogenic for Xeroderma pigmentosum, group G. Last evaluated: 2025-12-18. Review status: criteria provided, single submitter. Criteria: Variantyx Assertion Criteria 2022. Collection method: clinical testing. Allele origin: germline. Inheritance: Autosomal recessive inheritance.
Comment: This is a nonsense variant in the ERCC5 gene (OMIM: 133530). Pathogenic variants in this gene have been associated with autosomal recessive Xeroderma pigmentosum, group G/Cockayne syndrome. This variant introduces a premature termination codon in exon 18 out of 25 and is expected to result in loss of function, which is a known disease mechanism for ERCC5 in this disorder (PVS1) (PMID:23370536). This variant has not been reported in individuals with ERCC5-related disorders in the databases available for review and it is absent from control populations (PM2). Based on the current evidence, this variant is classified as likely pathogenic for autosomal recessive Xeroderma pigmentosum, group G/Cockayne syndrome.

Literature cited by the submitters: PubMed 23370536.